The following is an entry in ClinVar:

NM_000257.4(MYH7):c.925G>A (p.Asp309Asn)

Gene: MYH7 (myosin heavy chain 7; minus strand). Cytogenetic location: 14q11.2.
Variant type: single nucleotide variant.
Coding change: c.925G>A on transcript NM_000257.4 (MANE Select); coding-DNA position 925, G replaced by A.
Protein change: p.Asp309Asn; replaces aspartic acid 309 with asparagine.
Molecular consequence: missense variant.
Genome position (GRCh38, 1-based): chr14:23,430,634, C>T on the plus strand (G>A on the coding strand, the complement: MYH7 is on the minus strand). VCF-style: chr14-23430634-C-T. GRCh37 (hg19) VCF-style: chr14-23899843-C-T.
Other names: p.D309N:GAT>AAT; c.925G>A (LRG_384t1); short protein forms D309N.
Identifiers: ClinVar variation 181402 (VCV000181402.30), dbSNP rs730880923, ClinGen allele CA016961.
Genomic context (GRCh38, chr14:23,430,634, plus strand): 5'-GCTCCTCAGCGTCATCAATGGAGGCCACGGTGGTCTCTCCTTGGGAGATGAATGCATAAT[C>T]GTAGGGGTTGTTGGTGATCAGCAGCATGTCTAGGGGAAAAAACATGGTTAGGGTGGGACA-3'
Protein context (NP_000248.2, residues 299-319): DMLLITNNPY[Asp309Asn]YAFISQGETT

ClinVar aggregate classification (germline): Conflicting classifications of pathogenicity. Review status: criteria provided, conflicting classifications (1 of 4 stars). 11 submissions from 11 submitters: Pathogenic (1); Likely pathogenic (4); Uncertain significance (6). Last evaluated 2025-12-22.

Conditions:
Cardiovascular phenotype. Identifiers: MedGen CN230736.
Cardiomyopathy (CMYO). Also called: Cardiomyopathies. Identifiers: Orphanet 167848, MedGen C0878544, MONDO:0004994, HP:0001638. Inheritance: Various modes of inheritance.
Hypertrophic cardiomyopathy 1 (CMH1). Also called: Familial hypertrophic cardiomyopathy 1; MYH7-Related Familial Hypertrophic Cardiomyopathy. Identifiers: MedGen C3495498, MONDO:0008647, OMIM 192600.
Congenital myopathy with fiber type disproportion. Also called: Congenital fiber-type disproportion; Congenital fiber-type disproportion myopathy. Identifiers: Orphanet 2020, MedGen C0546264, MONDO:0009711. Inheritance: all.
Hypertrophic cardiomyopathy. Also called: HYPERTROPHIC MYOCARDIOPATHY. Identifiers: Orphanet 217569, MedGen C0007194, MeSH D002312, MONDO:0005045, HP:0001639.

Allele frequency attached by ClinVar (database versions not stated): gnomAD exomes 0.00001 and 0.00002; TOPMed 0.00001; ExAC 0.00002; gnomAD 0.00002.
gnomAD v4.1: 20 of 1,613,928 alleles (0.0012%); highest among the groups gnomAD compares: Middle Eastern, 0.016%; no homozygotes.

Submissions (11):

Clinical Genetics Laboratory, Skane University Hospital Lund
Classification: Uncertain significance for Hypertrophic cardiomyopathy 1. Last evaluated: 2025-12-22. Review status: criteria provided, single submitter. Criteria: ACMG Guidelines, 2015. Collection method: clinical testing. Allele origin: germline. Affected: yes.
Comment: ACMG criteria used: PS4_supporting, PM1, PM2_supporting, PP3

Labcorp Genetics (formerly Invitae), Labcorp
Classification: Pathogenic for Hypertrophic cardiomyopathy. Last evaluated: 2025-07-27. Review status: criteria provided, single submitter. Criteria: Invitae Variant Classification Sherloc (09022015). Collection method: clinical testing. Allele origin: germline.
Comment: This sequence change replaces aspartic acid, which is acidic and polar, with asparagine, which is neutral and polar, at codon 309 of the MYH7 protein (p.Asp309Asn). This variant is present in population databases (rs730880923, gnomAD 0.006%). This missense change has been observed in individuals with hypertrophic cardiomyopathy (PMID: 23233322, 27247418, 27532257, 28640247; internal data). ClinVar contains an entry for this variant (Variation ID: 181402). Invitae Evidence Modeling of protein sequence and biophysical properties (such as structural, functional, and spatial information, amino acid conservation, physicochemical variation, residue mobility, and thermodynamic stability) indicates that this missense variant is expected to disrupt MYH7 protein function with a positive predictive value of 95%. For these reasons, this variant has been classified as Pathogenic.

Ambry Genetics
Classification: Likely pathogenic for Cardiovascular phenotype. Last evaluated: 2025-05-16. Review status: criteria provided, single submitter. Criteria: Ambry Variant Classification Scheme 2023. Collection method: clinical testing. Allele origin: germline.
Comment: The p.D309N variant (also known as c.925G>A), located in coding exon 9 of the MYH7 gene, results from a G to A substitution at nucleotide position 925. The aspartic acid at codon 309 is replaced by asparagine, an amino acid with highly similar properties. This variant was reported in individual(s) with features consistent with hypertrophic cardiomyopathy (HCM) (Homburger JR et al. Proc Natl Acad Sci U S A, 2016 Jun;113:6701-6; Walsh R et al. Genet Med, 2017 Feb;19:192-203; Ko C et al. Genet Med, 2018 Jan;20:69-75; Magr&igrave; D et al. J Clin Med, 2020 May;9:; Allouba M et al. Eur Heart J, 2023 Dec;44:5146-5158; Ambry internal data). This alteration is located in the myosin head domain, which contains a statistically significant clustering of pathogenic missense variants (Homburger JR et al. Proc Natl Acad Sci U S A, 2016 06;113:6701-6; Walsh R et al. Genet Med, 2017 02;19:192-203; Ambry internal data). This amino acid position is highly conserved in available vertebrate species. In addition, the in silico prediction for this alteration is inconclusive. Based on the majority of available evidence to date, this variant is likely to be pathogenic.

Color Diagnostics, LLC DBA Color Health
Classification: Uncertain significance for Cardiomyopathy. Last evaluated: 2025-05-02. Review status: criteria provided, single submitter. Criteria: ACMG Guidelines, 2015. Collection method: clinical testing. Allele origin: germline.
Comment: This missense variant replaces aspartic acid with asparagine at codon 309 of the MYH7 protein. This variant is found within a highly conserved region of the myosin head domain. Missense variants in this region have been shown to be significantly overrepresented in individuals with affected with hypertrophic cardiomyopathy (PMID: 27532257). Computational prediction suggests that this variant may have a deleterious impact on protein structure and function. To our knowledge, functional studies have not been reported for this variant. This variant has been reported in several individuals affected with hypertrophic cardiomyopathy, including one homozygous individual (PMID: 23233322, 27247418, 27532257, 28640247, 37431535ClinVar SCV000692501.2, SCV000623759.6). This variant has been identified in 4/251396 chromosomes in the general population by the Genome Aggregation Database (gnomAD). Although there is a suspicion that this variant may be associated with disease, additional clinical data are necessary to determine the role of this variant in disease conclusively. Therefore, this variant is classified as a Variant of Uncertain Significance.

GeneDx
Classification: Likely pathogenic. Last evaluated: 2024-04-05. Review status: criteria provided, single submitter. Criteria: GeneDx Variant Classification Process June 2021. Collection method: clinical testing. Allele origin: germline. Affected: yes.
Comment: Not observed at significant frequency in large population cohorts (gnomAD); In silico analysis supports that this missense variant has a deleterious effect on protein structure/function; This variant is associated with the following publications: (PMID: 23233322, 8490051, 27247418, 27532257, 28606303, 28640247, 1472461, 35653365, 34542152, 29300372)

Blueprint Genetics
Classification: Uncertain significance. Last evaluated: 2024-03-16. Review status: criteria provided, single submitter. Criteria: ACMG Guidelines, 2015. Collection method: clinical testing. Allele origin: germline.

Revvity Omics, Revvity
Classification: Uncertain significance. Last evaluated: 2023-03-31. Review status: criteria provided, single submitter. Criteria: ACMG Guidelines, 2015. Collection method: clinical testing. Allele origin: germline.

Victorian Clinical Genetics Services, Murdoch Childrens Research Institute
Classification: Likely pathogenic for Hypertrophic cardiomyopathy 1. Last evaluated: 2022-02-02. Review status: criteria provided, single submitter. Criteria: ACMG Guidelines, 2015. Collection method: clinical testing. Allele origin: germline. Inheritance: Autosomal dominant inheritance.
Comment: Based on the classification scheme VCGS_Germline_v1.3.4, this variant is classified as Likely pathogenic. Following criteria are met: 0105 - The mechanism of disease for this gene is not clearly established, however, missense variants have been proposed to act in a dominant negative manner (PMID: 24714796). (I) 0108 - This gene is associated with both recessive and dominant disease. Pathogenic variants in this gene are usually heterozygous, however a recessive inheritance pattern has been observed in severe cases (OMIM). (I) 0112 - The condition associated with this gene has incomplete penetrance (PMID: 29300372). (I) 0200 - Variant is predicted to result in a missense amino acid change from aspartic acid to asparagine. (I) 0251 - This variant is heterozygous. (I) 0302 - Variant is present in gnomAD (v2) <0.001 (4 heterozygotes, 0 homozygotes). (SP) 0501 - Missense variant consistently predicted to be damaging by multiple in silico tools or highly conserved with a major amino acid change. (SP) 0602 - Variant is located in a hotspot region or cluster of pathogenic variants. This variant is found within the head region, which is enriched with pathogenic missense variants (PMID: 29300372). (SP) 0808 - Previous reports of pathogenicity are conflicting. This variant has been reported as both a VUS and likely pathogenic. However, the variant has been reported in at least six individuals with HCM. (ClinVar, PMID: 23233322, PMID: 28640247, PMID: 27532257). (I) 1208 - Inheritance information for this variant is not currently available in this individual. (I) Legend: (SP) - Supporting pathogenic, (I) - Information, (SB) - Supporting benign

CHEO Genetics Diagnostic Laboratory, Children's Hospital of Eastern Ontario
Classification: Likely pathogenic for Cardiomyopathy. Last evaluated: 2021-10-27. Review status: criteria provided, single submitter. Criteria: ACMG Guidelines, 2015. Collection method: clinical testing. Allele origin: germline.

Centre for Mendelian Genomics, University Medical Centre Ljubljana
Classification: Uncertain significance for Congenital myopathy 4A, autosomal dominant. Last evaluated: 2020-02-08. Review status: criteria provided, single submitter. Criteria: ACMG Guidelines, 2015. Collection method: clinical testing. Allele origin: unknown. Affected: yes.
Comment: This variant was classified as: Uncertain significance. The available evidence favors the pathogenic nature of this variant, however the currently available data is insufficient to conclusively support its pathogenic nature. Thus this variant is classified as Uncertain significance - favor pathogenic. The following ACMG criteria were applied in classifying this variant: PM2,PP3,PP4.

Agnes Ginges Centre for Molecular Cardiology, Centenary Institute
Classification: Uncertain significance for Hypertrophic cardiomyopathy 1. Last evaluated: 2017-03-10. Review status: criteria provided, single submitter. Criteria: Agnes Ginges Centre for Molecular Cardiology criteria (2015). Collection method: research. Allele origin: germline. Inheritance: Autosomal dominant inheritance. Affected: yes.
Comment: The MYH7 Asp309Asn variant has been previously reported in 2 HCM probands (Kassem HSh, et al., 2013; Walsh R, et al., 2017). The variant is present at low frequency in the Exome Aggregation Consortium dataset (MAF=0.000025). Computational tools SIFT, PolyPhen-2 and MutationTaster predict this variant to be deleterious. In summary, based on rarity in the general population and limited evidence in the literature, we classify MYH7 Asp309Asn as a variant of "uncertain significance".

Literature cited by the submitters: PubMed 23233322 (cited by 5 submitters); PubMed 27247418 (cited by 3 submitters); PubMed 27532257 (cited by 5 submitters); PubMed 28640247 (cited by 4 submitters); PubMed 32481709 (cited by Ambry Genetics); PubMed 34542152 (cited by Ambry Genetics); PubMed 35653365 (cited by Ambry Genetics); PubMed 37431535 (cited by Ambry Genetics and Color Diagnostics, LLC DBA Color Health); PubMed 39523938 (cited by Ambry Genetics); PubMed 24714796 (cited by Victorian Clinical Genetics Services, Murdoch Childrens Research Institute); PubMed 29300372 (cited by Victorian Clinical Genetics Services, Murdoch Childrens Research Institute); PubMed 1472461 (cited by Agnes Ginges Centre for Molecular Cardiology, Centenary Institute); PubMed 8490051 (cited by Agnes Ginges Centre for Molecular Cardiology, Centenary Institute).